The following is an entry in ClinVar:

ClinVar aggregate classification (germline): Uncertain significance (1 of 4 stars; one submission).

Conditions:
Hereditary cancer-predisposing syndrome. Also called: Neoplastic Syndromes, Hereditary; Tumor predisposition; Hereditary Cancer Syndrome; Hereditary neoplastic syndrome. Identifiers: Orphanet 140162, MedGen C0027672, MeSH D009386, MONDO:0015356.

Submission:

Ambry Genetics
Classification: Uncertain significance for Hereditary cancer-predisposing syndrome. Last evaluated: 2026-01-25. Review status: criteria provided, single submitter. Criteria: Ambry Variant Classification Scheme 2023. Collection method: clinical testing. Allele origin: germline.
Comment: The p.M844I variant (also known as c.2532G>T), located in coding exon 4 of the MSH6 gene, results from a G to T substitution at nucleotide position 2532. The methionine at codon 844 is replaced by isoleucine, an amino acid with highly similar properties. This amino acid position is conserved. In addition, the in silico prediction for this alteration is inconclusive. Based on the available evidence, the clinical significance of this variant remains unclear.

NM_000179.3(MSH6):c.2532G>T (p.Met844Ile)

Gene: MSH6 (mutS homolog 6; plus strand). Cytogenetic location: 2p16.3.
Variant type: single nucleotide variant.
Coding change: c.2532G>T on transcript NM_000179.3 (MANE Select); coding-DNA position 2532, G replaced by T.
Protein change: p.Met844Ile; replaces methionine 844 with isoleucine.
Molecular consequence: missense variant. On other transcripts: non-coding transcript variant (5), intron variant (3).
Genome position (GRCh38, 1-based): chr2:47,800,515, G>T. VCF-style: chr2-47800515-G-T. GRCh37 (hg19) VCF-style: chr2-48027654-G-T.
Other names: c.2007G>T, p.Met669Ile (NM_001406806.1, NM_001406807.1, NM_001406799.1); c.2532G>T, p.Met844Ile (NM_001406808.1, NM_001406809.1, NM_001406796.1 and 2 more transcripts); c.1626G>T, p.Met542Ile (NM_001406811.1, NM_001406812.1, NM_001406814.1 and 6 more transcripts); c.2538G>T, p.Met846Ile (NM_001406813.1); c.2142G>T, p.Met714Ile (NM_001281492.2); c.2628G>T, p.Met876Ile (NM_001406795.1, NM_001406802.1); c.2235G>T, p.Met745Ile (NM_001406797.1, NM_001406801.1, NM_001406805.1 and 10 more transcripts); c.2454G>T, p.Met818Ile (NM_001406804.1); and 4 more; short protein forms M714I, M846I, M542I, M745I, M788I, M818I, M669I, M844I.
Identifiers: ClinVar variation 4825259 (VCV004825259.1).
Genomic context (GRCh38, chr2:47,800,515, plus strand): 5'-AATTCATAATGTTGGGTCTCCCCTGAAGAGTCAGAACCACCCAGACAGCAGGGCTATAAT[G>T]TATGAAGAAACTACATACAGCAAGAAGAAGATTATTGATTTTCTTTCTGCTCTGGAAGGA-3'
Protein context (NP_000170.1, residues 834-854): SQNHPDSRAI[Met844Ile]YEETTYSKKK